The following is an entry in ClinVar:

ClinVar aggregate classification (germline): Uncertain significance (1 of 4 stars; one submission).

Conditions:
Cardiovascular phenotype. Identifiers: MedGen CN230736.

gnomAD v4.1: 3 of 1,599,914 alleles (0.00019%); highest among the groups gnomAD compares: African/African-American, 0.004%; no homozygotes.

Submission:

Ambry Genetics
Classification: Uncertain significance for Cardiovascular phenotype. Last evaluated: 2024-11-05. Review status: criteria provided, single submitter. Criteria: Ambry Variant Classification Scheme 2023. Collection method: clinical testing. Allele origin: germline.
Comment: The p.V1314A variant (also known as c.3941T>C), located in coding exon 9 of the TNXB gene, results from a T to C substitution at nucleotide position 3941. The valine at codon 1314 is replaced by alanine, an amino acid with similar properties. This amino acid position is conserved. In addition, this alteration is predicted to be tolerated by in silico analysis. Based on the available evidence, the clinical significance of this variant remains unclear.

NM_001365276.2(TNXB):c.3941T>C (p.Val1314Ala)

Gene: TNXB (tenascin XB; minus strand). Cytogenetic location: 6p21.33.
Variant type: single nucleotide variant.
Coding change: c.3941T>C on transcript NM_001365276.2 (MANE Select); coding-DNA position 3941, T replaced by C.
Protein change: p.Val1314Ala; replaces valine 1314 with alanine.
Molecular consequence: missense variant.
Genome position (GRCh38, 1-based): chr6:32,081,469, A>G on the plus strand (T>C on the coding strand, the complement: TNXB is on the minus strand). VCF-style: chr6-32081469-A-G. GRCh37 (hg19) VCF-style: chr6-32049246-A-G.
Other names: c.4682T>C, p.Val1561Ala (NM_001428335.1); c.3941T>C, p.Val1314Ala (NM_019105.8); short protein forms V1561A, V1314A.
Identifiers: ClinVar variation 3459719 (VCV003459719.1).
Genomic context (GRCh38, chr6:32,081,469, plus strand): 5'-CCACGAAGCCCGTAGAGGTTCATCTTATACTTCCGGTCGGGATCCAGGCCGGGGACAGTA[A>G]CCTCATTCTCATCCCCCGCAACAGGCACTGCCTGGGGCTGCCCCTGTGCATCCTTGTACT-3'
Protein context (NP_001352205.1, residues 1304-1324): AVPVAGDENE[Val1314Ala]TVPGLDPDRK